The following is an entry in ClinVar:

ClinVar aggregate classification (germline): Uncertain significance (1 of 4 stars; one submission).

Conditions:
Distal hereditary motor neuropathy type 2. Identifiers: Orphanet 139525, MedGen C3711384, MeSH C580044, MONDO:0015352.

Submission:

Labcorp Genetics (formerly Invitae), Labcorp
Classification: Uncertain significance for Distal hereditary motor neuropathy type 2. Last evaluated: 2022-12-02. Review status: criteria provided, single submitter. Criteria: Invitae Variant Classification Sherloc (09022015). Collection method: clinical testing. Allele origin: germline.
Comment: In summary, the available evidence is currently insufficient to determine the role of this variant in disease. Therefore, it has been classified as a Variant of Uncertain Significance. Advanced modeling of protein sequence and biophysical properties (such as structural, functional, and spatial information, amino acid conservation, physicochemical variation, residue mobility, and thermodynamic stability) performed at Invitae indicates that this missense variant is not expected to disrupt FBXO38 protein function. This variant has not been reported in the literature in individuals affected with FBXO38-related conditions. This variant is not present in population databases (gnomAD no frequency). This sequence change replaces asparagine, which is neutral and polar, with lysine, which is basic and polar, at codon 511 of the FBXO38 protein (p.Asn511Lys).

NM_205836.3(FBXO38):c.1533C>G (p.Asn511Lys)

Gene: FBXO38 (F-box protein 38; plus strand). Cytogenetic location: 5q32.
Variant type: single nucleotide variant.
Coding change: c.1533C>G on transcript NM_205836.3 (MANE Select); coding-DNA position 1533, C replaced by G.
Protein change: p.Asn511Lys; replaces asparagine 511 with lysine.
Molecular consequence: missense variant.
Genome position (GRCh38, 1-based): chr5:148,417,119, C>G. VCF-style: chr5-148417119-C-G. GRCh37 (hg19) VCF-style: chr5-147796682-C-G.
Other names: c.1533C>G, p.Asn511Lys (NM_001271723.2, NM_030793.5); short protein forms N511K.
Identifiers: ClinVar variation 2817844 (VCV002817844.3), dbSNP rs768289009, ClinGen allele CA361660054.
Genomic context (GRCh38, chr5:148,417,119, plus strand): 5'-CCAGAACTCCAACAATGACGATAATAATGCCCAGAATAACAATGCCAACATCCACGACAA[C>G]AATCACCATCATCCAGATGACTCAGACGAGGAGAATGACTTTCGGCAAGATCTGCAGCCA-3'
Protein context (NP_995308.1, residues 501-521): AQNNNANIHD[Asn511Lys]NHHHPDDSDE